The following is an entry in ClinVar:

ClinVar aggregate classification (germline): Uncertain significance. Review status: criteria provided, multiple submitters, no conflicts (2 of 4 stars). 4 submissions from 4 submitters: Uncertain significance (3). 1 of the submissions does not count toward it. Last evaluated 2025-07-15.

Conditions:
EVC-related disorder. Also called: EVC-related condition; EVC-related disorders.
Ellis-van Creveld syndrome (EVC). Also called: Chondroectodermal dysplasia; MESOECTODERMAL DYSPLASIA. Identifiers: Orphanet 289, MedGen C0013903, MONDO:0009162, OMIM 225500.
Curry-Hall syndrome (WAD). Also called: WEYERS ACRODENTAL DYSOSTOSIS. Identifiers: Orphanet 952, MedGen C0457013, MONDO:0008673, OMIM 193530.
Inborn genetic diseases. Identifiers: MedGen C0950123, MeSH D030342.

gnomAD v4.1: 4 of 1,613,156 alleles (0.00025%); highest among the groups gnomAD compares: Admixed American, 0.0067%; no homozygotes.

Submissions (4):

Ambry Genetics
Classification: Uncertain significance for Inborn genetic diseases. Last evaluated: 2025-07-15. Review status: criteria provided, single submitter. Criteria: Ambry Variant Classification Scheme 2023. Collection method: clinical testing. Allele origin: germline.

Daryl Scott Lab, Baylor College of Medicine
Classification: Uncertain significance for EVC-related disorder. Last evaluated: 2024-01-01. Review status: criteria provided, single submitter. Criteria: ACMG Guidelines, 2015. Collection method: clinical testing. Allele origin: maternal. Observed: 1 heterozygote.
Comment: PM2, PP3

Labcorp Genetics (formerly Invitae), Labcorp
Classification: Uncertain significance for Curry-Hall syndrome; Ellis-van Creveld syndrome. Last evaluated: 2021-09-01. Review status: criteria provided, single submitter. Criteria: Invitae Variant Classification Sherloc (09022015). Collection method: clinical testing. Allele origin: germline.
Comment: This sequence change replaces arginine with methionine at codon 498 of the EVC protein (p.Arg498Met). The arginine residue is moderately conserved and there is a moderate physicochemical difference between arginine and methionine. This variant is not present in population databases (ExAC no frequency). This variant has not been reported in the literature in individuals affected with EVC-related conditions. Algorithms developed to predict the effect of missense changes on protein structure and function are either unavailable or do not agree on the potential impact of this missense change (SIFT: "Deleterious"; PolyPhen-2: "Probably Damaging"; Align-GVGD: "Class C0"). In summary, the available evidence is currently insufficient to determine the role of this variant in disease. Therefore, it has been classified as a Variant of Uncertain Significance.

Natera, Inc.
Classification: Uncertain significance for Ellis-van Creveld syndrome. Last evaluated: 2021-04-05. Review status: no assertion criteria provided. Collection method: clinical testing. Allele origin: germline. Not counted in ClinVar's aggregate classification.

NM_153717.3(EVC):c.1493G>T (p.Arg498Met)

Gene: EVC (EvC ciliary complex subunit 1; plus strand). Cytogenetic location: 4p16.2.
Variant type: single nucleotide variant.
Coding change: c.1493G>T on transcript NM_153717.3 (MANE Select); coding-DNA position 1493, G replaced by T.
Protein change: p.Arg498Met; replaces arginine 498 with methionine.
Molecular consequence: missense variant.
Genome position (GRCh38, 1-based): chr4:5,756,292, G>T. VCF-style: chr4-5756292-G-T. GRCh37 (hg19) VCF-style: chr4-5758019-G-T.
Other names: c.1493G>T, p.Arg498Met (NM_001306092.2, NM_001306090.2); short protein forms R498M.
Identifiers: ClinVar variation 645152 (VCV000645152.7), dbSNP rs1577453796, ClinGen allele CA356157451.